The following is an entry in ClinVar:

ClinVar aggregate classification (germline): Uncertain significance. Review status: criteria provided, multiple submitters, no conflicts (2 of 4 stars). 3 submissions from 3 submitters: Uncertain significance (3). Last evaluated 2025-09-03.

Conditions:
Fanconi anemia complementation group D2. Also called: FANCD2-Related Fanconi Anemia; FANCONI PANCYTOPENIA, TYPE 4; FANCONI ANEMIA, COMPLEMENTATION GROUP D. Identifiers: Orphanet 84, MedGen C3160738, MONDO:0009214, OMIM 227646.
Inborn genetic diseases. Identifiers: MedGen C0950123, MeSH D030342.
Fanconi anemia (FA). Also called: Fanconi's anemia. Identifiers: Orphanet 84, MedGen C0015625, MeSH D005199, MONDO:0019391.

Allele frequency attached by ClinVar (database versions not stated): gnomAD exomes 0.00001; gnomAD 0.00005 and 0.00006; TOPMed 0.00005.
gnomAD v4.1: 28 of 1,611,484 alleles (0.0017%); highest among the groups gnomAD compares: African/African-American, 0.035%; no homozygotes.

Submissions (3):

Labcorp Genetics (formerly Invitae), Labcorp
Classification: Uncertain significance for Fanconi anemia. Last evaluated: 2025-09-03. Review status: criteria provided, single submitter. Criteria: Invitae Variant Classification Sherloc (09022015). Collection method: clinical testing. Allele origin: germline.
Comment: This sequence change replaces glutamic acid, which is acidic and polar, with glycine, which is neutral and non-polar, at codon 362 of the FANCD2 protein (p.Glu362Gly). This variant is present in population databases (no rsID available, gnomAD 0.02%). This variant has not been reported in the literature in individuals affected with FANCD2-related conditions. ClinVar contains an entry for this variant (Variation ID: 407782). Invitae Evidence Modeling of protein sequence and biophysical properties (such as structural, functional, and spatial information, amino acid conservation, physicochemical variation, residue mobility, and thermodynamic stability) indicates that this missense variant is expected to disrupt FANCD2 protein function with a positive predictive value of 80%. In summary, the available evidence is currently insufficient to determine the role of this variant in disease. Therefore, it has been classified as a Variant of Uncertain Significance.

Ambry Genetics
Classification: Uncertain significance for Inborn genetic diseases. Last evaluated: 2024-07-05. Review status: criteria provided, single submitter. Criteria: Ambry Variant Classification Scheme 2023. Collection method: clinical testing. Allele origin: germline.

Fulgent Genetics
Classification: Uncertain significance for Fanconi anemia complementation group D2. Last evaluated: 2023-12-28. Review status: criteria provided, single submitter. Criteria: ACMG Guidelines, 2015. Collection method: clinical testing. Allele origin: germline.

NM_001018115.3(FANCD2):c.1085A>G (p.Glu362Gly)

Genes: FANCD2 (FA complementation group D2; plus strand), LOC107303338 (3p25 FANCD2 Alu-mediated recombination region; plus strand). Cytogenetic location: 3p25.3.
Variant type: single nucleotide variant.
Coding change: c.1085A>G on transcript NM_001018115.3 (MANE Select); coding-DNA position 1085, A replaced by G.
Protein change: p.Glu362Gly; replaces glutamic acid 362 with glycine.
Molecular consequence: missense variant.
Genome position (GRCh38, 1-based): chr3:10,043,579, A>G. VCF-style: chr3-10043579-A-G. GRCh37 (hg19) VCF-style: chr3-10085263-A-G.
Other names: c.1085A>G, p.Glu362Gly (NM_001319984.2, NM_001374253.1, NM_001374254.1 and 1 more transcripts); short protein forms E362G.
Identifiers: ClinVar variation 407782 (VCV000407782.8), dbSNP rs951763949, ClinGen allele CA16611048.
Genomic context (GRCh38, chr3:10,043,579, plus strand): 5'-GTATTATTCTCCTCTTTGATGTAATAAAGTCAGCTATTAGATATGAGAAAACCATTTCAG[A>G]AGCCTGGATTAAGGTGAGATCTTTGGAACTTTGATTATCAAGGAGGAAATGAGTGGCAAT-3'
Protein context (NP_001018125.1, residues 352-372): SAIRYEKTIS[Glu362Gly]AWIKAIENTA